The following is an entry in ClinVar:

ClinVar aggregate classification (germline): Uncertain significance. Review status: criteria provided, single submitter (1 of 4 stars). 2 submissions from 2 submitters: Uncertain significance (1). 1 of the submissions does not count toward it. Last evaluated 2021-07-14.

Conditions:
Bardet-Biedl syndrome (BBS). Identifiers: Orphanet 110, MedGen C0752166, MONDO:0015229.
Bardet-Biedl syndrome 10 (BBS10). Identifiers: Orphanet 110, MedGen C1859568, MONDO:0014438, OMIM 615987.

Submissions (2):

Labcorp Genetics (formerly Invitae), Labcorp
Classification: Uncertain significance for Bardet-Biedl syndrome. Last evaluated: 2021-07-14. Review status: criteria provided, single submitter. Criteria: Invitae Variant Classification Sherloc (09022015). Collection method: clinical testing. Allele origin: germline.
Comment: This sequence change replaces valine with leucine at codon 382 of the BBS10 protein (p.Val382Leu). The valine residue is highly conserved and there is a small physicochemical difference between valine and leucine. This variant is not present in population databases (ExAC no frequency). This missense change has been observed in individual(s) with clinical features of BBS10-related conditions (Invitae). In at least one individual the data is consistent with the variant being in trans (on the opposite chromosome) from a pathogenic variant. ClinVar contains an entry for this variant (Variation ID: 568745). Algorithms developed to predict the effect of missense changes on protein structure and function are either unavailable or do not agree on the potential impact of this missense change (SIFT: "Deleterious"; PolyPhen-2: "Possibly Damaging"; Align-GVGD: "Class C0"). This variant disrupts the p.Val382 amino acid residue in BBS10. Other variant(s) that disrupt this residue have been observed in individuals with BBS10-related conditions (Invitae), which suggests that this may be a clinically significant amino acid residue. In summary, the available evidence is currently insufficient to determine the role of this variant in disease. Therefore, it has been classified as a Variant of Uncertain Significance.

Natera, Inc.
Classification: Uncertain significance for Bardet-Biedl syndrome type 10. Last evaluated: 2020-09-16. Review status: no assertion criteria provided. Collection method: clinical testing. Allele origin: germline. Not counted in ClinVar's aggregate classification.

NM_024685.4(BBS10):c.1144G>C (p.Val382Leu)

Gene: BBS10 (Bardet-Biedl syndrome 10; minus strand). Cytogenetic location: 12q21.2.
Variant type: single nucleotide variant.
Coding change: c.1144G>C on transcript NM_024685.4 (MANE Select); coding-DNA position 1144, G replaced by C.
Protein change: p.Val382Leu; replaces valine 382 with leucine.
Molecular consequence: missense variant.
Genome position (GRCh38, 1-based): chr12:76,346,841, C>G on the plus strand (G>C on the coding strand, the complement: BBS10 is on the minus strand). VCF-style: chr12-76346841-C-G. GRCh37 (hg19) VCF-style: chr12-76740621-C-G.
Other names: c.1144G>C, p.Val382Leu (LRG_1255t1); short protein forms V382L.
Identifiers: ClinVar variation 568745 (VCV000568745.7), dbSNP rs775492103, ClinGen allele CA385812595.